The following is an entry in ClinVar:

ClinVar aggregate classification (germline): Conflicting classifications of pathogenicity. Review status: criteria provided, conflicting classifications (1 of 4 stars). 4 submissions from 4 submitters: Uncertain significance (3); Likely benign (1). Last evaluated 2026-01-29.

Conditions:
Mitochondrial DNA depletion syndrome 9 (MTDPS9). Also called: SUCLG1-Related Mitochondrial DNA Depletion Syndrome, Encephalomyopathic Form with Methylmalonic Aciduria. Identifiers: Orphanet 17, MedGen C3151476, MONDO:0009504, OMIM 245400.

Allele frequency attached by ClinVar (database versions not stated): ExAC 0.00025; gnomAD 0.00025 and 0.00026; gnomAD exomes 0.00035; ESP Exome Variant Server 0.00008; TOPMed 0.00022.
gnomAD v4.1: 389 of 1,456,924 alleles (0.027%); highest among the groups gnomAD compares: Middle Eastern, 0.26%; no homozygotes.

Submissions (4):

Labcorp Genetics (formerly Invitae), Labcorp
Classification: Likely benign for Mitochondrial DNA depletion syndrome 9. Last evaluated: 2026-01-29. Review status: criteria provided, single submitter. Criteria: Invitae Variant Classification Sherloc (09022015). Collection method: clinical testing. Allele origin: germline.

GeneDx
Classification: Uncertain significance. Last evaluated: 2024-10-21. Review status: criteria provided, single submitter. Criteria: GeneDx Variant Classification Process June 2021. Collection method: clinical testing. Allele origin: germline. Affected: yes.
Comment: Homozygous in a patient with arthrogryposis, ophthalmoparesis, bilateral ptosis, facial weakness, and proximal limb weakness who also harbored a homozygous variant in the CHRNA1 gene (PMID: 30177536); In silico analysis indicates that this missense variant does not alter protein structure/function; This variant is associated with the following publications: (PMID: 30177536)

Blueprint Genetics
Classification: Uncertain significance. Last evaluated: 2024-10-18. Review status: criteria provided, single submitter. Criteria: ACMG Guidelines, 2015. Collection method: clinical testing. Allele origin: germline.

Illumina Laboratory Services, Illumina
Classification: Uncertain significance for Mitochondrial DNA depletion syndrome 9. Last evaluated: 2018-01-13. Review status: criteria provided, single submitter. Criteria: ICSL Variant Classification Criteria 13 December 2019. Collection method: clinical testing. Allele origin: germline.

NM_003849.4(SUCLG1):c.110G>C (p.Gly37Ala)

Gene: SUCLG1 (succinate-CoA ligase GDP/ADP-forming subunit alpha; minus strand). Cytogenetic location: 2p11.2.
Variant type: single nucleotide variant.
Coding change: c.110G>C on transcript NM_003849.4 (MANE Select); coding-DNA position 110, G replaced by C.
Protein change: p.Gly37Ala; replaces glycine 37 with alanine.
Molecular consequence: missense variant.
Genome position (GRCh38, 1-based): chr2:84,449,740, C>G on the plus strand (G>C on the coding strand, the complement: SUCLG1 is on the minus strand). VCF-style: chr2-84449740-C-G. GRCh37 (hg19) VCF-style: chr2-84676864-C-G.
Other names: p.G37A:GGA>GCA; short protein forms G37A.
Identifiers: ClinVar variation 203968 (VCV000203968.20), dbSNP rs369610897, ClinGen allele CA313044.